The following is an entry in ClinVar:

ClinVar aggregate classification (germline): Uncertain significance (1 of 4 stars; one submission).

Allele frequency attached by ClinVar (database versions not stated): gnomAD exomes below 0.00001 and 0.00001; ExAC 0.00001; gnomAD 0.00001.
gnomAD v4.1: 4 of 1,614,100 alleles (0.00025%); highest among the groups gnomAD compares: Non-Finnish European, 0.00034%; no homozygotes.

Submission:

Labcorp Genetics (formerly Invitae), Labcorp
Classification: Uncertain significance. Last evaluated: 2021-12-02. Review status: criteria provided, single submitter. Criteria: Invitae Variant Classification Sherloc (09022015). Collection method: clinical testing. Allele origin: germline.
Comment: This variant has not been reported in the literature in individuals affected with KIF1BP-related conditions. In summary, the available evidence is currently insufficient to determine the role of this variant in disease. Therefore, it has been classified as a Variant of Uncertain Significance. Algorithms developed to predict the effect of missense changes on protein structure and function (SIFT, PolyPhen-2, Align-GVGD) all suggest that this variant is likely to be disruptive. This variant is present in population databases (rs754137248, gnomAD 0.0009%). This sequence change replaces lysine, which is basic and polar, with asparagine, which is neutral and polar, at codon 407 of the KIF1BP protein (p.Lys407Asn).

NM_015634.4(KIFBP):c.1221A>C (p.Lys407Asn)

Gene: KIFBP (kinesin family binding protein; plus strand). Cytogenetic location: 10q22.1.
Variant type: single nucleotide variant.
Coding change: c.1221A>C on transcript NM_015634.4 (MANE Select); coding-DNA position 1221, A replaced by C.
Protein change: p.Lys407Asn; replaces lysine 407 with asparagine.
Molecular consequence: missense variant.
Genome position (GRCh38, 1-based): chr10:69,015,771, A>C. VCF-style: chr10-69015771-A-C. GRCh37 (hg19) VCF-style: chr10-70775527-A-C.
Other names: short protein forms K407N.
Identifiers: ClinVar variation 1681420 (VCV001681420.8), dbSNP rs754137248, ClinGen allele CA5529870.